The following is an entry in ClinVar:

ClinVar aggregate classification (germline): Uncertain significance (1 of 4 stars; one submission).

Conditions:
Marfan syndrome (MFS). Also called: MARFAN SYNDROME, TYPE I; Marfan syndrome type 1; Marfan's syndrome; FBN1-Related Marfan Syndrome; Marfan syndrome, classic. Identifiers: Orphanet 284963, Orphanet 558, MedGen C0024796, MONDO:0007947, OMIM 154700.

gnomAD v4.1: 2 of 1,608,844 alleles (0.00012%); highest among the groups gnomAD compares: Non-Finnish European, 0.00017%; no homozygotes.

Submission:

All of Us Research Program, National Institutes of Health
Classification: Uncertain significance for Marfan syndrome. Last evaluated: 2024-08-13. Review status: criteria provided, single submitter. Criteria: ACMG Guidelines, 2015. Collection method: clinical testing. Allele origin: germline. Inheritance: Autosomal dominant inheritance. Observed: 1 variant allele, 1 heterozygote.
Comment: This missense variant replaces isoleucine with valine at codon 2158 of the FBN1 protein. Computational prediction suggests that this variant may not impact protein structure and function (internally defined REVEL score threshold <= 0.5, PMID: 27666373). To our knowledge, functional studies have not been reported for this variant. This variant has not been reported in individuals affected with FBN1-related disorders in the literature. This variant has been identified in 1/251048 chromosomes in the general population by the Genome Aggregation Database (gnomAD). The available evidence is insufficient to determine the role of this variant in disease conclusively. Therefore, this variant is classified as a Variant of Uncertain Significance.

This study involves interpretation of variants in research participants for the purpose of population health screening. Participant phenotype was not available at the time of variant classification. Additional details can be found in publication PMID: 35346344, PMCID: PMC8962531

NM_000138.5(FBN1):c.6472A>G (p.Ile2158Val)

Gene: FBN1 (fibrillin 1; minus strand). Cytogenetic location: 15q21.1.
Variant type: single nucleotide variant.
Coding change: c.6472A>G on transcript NM_000138.5 (MANE Select); coding-DNA position 6472, A replaced by G.
Protein change: p.Ile2158Val; replaces isoleucine 2158 with valine.
Molecular consequence: missense variant.
Genome position (GRCh38, 1-based): chr15:48,436,985, T>C on the plus strand (A>G on the coding strand, the complement: FBN1 is on the minus strand). VCF-style: chr15-48436985-T-C. GRCh37 (hg19) VCF-style: chr15-48729182-T-C.
Other names: c.6472A>G, p.Ile2158Val (NM_001406716.1); short protein forms I2158V.
Identifiers: ClinVar variation 3386770 (VCV003386770.1).
Genomic context (GRCh38, chr15:48,436,985, plus strand): 5'-TTGTAAAGTTCCTATGGAAGAAAACTTATTACTCACCTACACATTCATTCCCTGCTAGAA[T>C]ATAACCAAAGGGACACTCGCAGCGATAGGAACCATCTGTATTGATGCACTGTCCATGTTT-3'
Protein context (NP_000129.3, residues 2148-2168): SYRCECPFGY[Ile2158Val]LAGNECVDTD